The following is an entry in ClinVar:

ClinVar aggregate classification (germline): Pathogenic (1 of 4 stars; one submission).

Conditions:
Fabry disease. Also called: ALPHA-GALACTOSIDASE A DEFICIENCY; ANDERSON-FABRY DISEASE; CERAMIDE TRIHEXOSIDASE DEFICIENCY; GLA DEFICIENCY; HEREDITARY DYSTOPIC LIPIDOSIS; Angiokeratoma corporis diffusum. Identifiers: Orphanet 324, MedGen C0002986, MONDO:0010526, OMIM 301500, HP:0001071. Disease mechanism: Fabry disease is due to inactivating mutations in the X-linked GLA gene resulting in deficiency of the enzyme Alpha Galactosidase-A., loss of function.

Submission:

Genomenon, Inc
Classification: Pathogenic for Fabry disease. Last evaluated: 2026-09-08. Review status: criteria provided, single submitter. Criteria: Genomenon Sequence Variant Interpretation Standards - Updated. Collection method: curation. Allele origin: germline. Affected: no.
Comment: GLA c.999+1G>A is a canonical splice variant affecting the donor splice site of intron 6. It is predicted to affect mRNA splicing, leading to a deleterious effect on the GLA protein. This variant has been reported in the published literature (PMID:27356758). Other variants affecting this donor splice site have been reported as pathogenic. It is absent or not present at a significant frequency in gnomAD. In conclusion, we classify GLA c.999+1G>A as a pathogenic variant.

Literature cited by the submitters: PubMed 27356758.

NM_000169.3(GLA):c.999+1G>A

Genes: GLA (galactosidase alpha; minus strand), RPL36A-HNRNPH2 (RPL36A-HNRNPH2 readthrough; plus strand). Cytogenetic location: Xq22.1.
Variant type: single nucleotide variant.
Coding change: c.999+1G>A on transcript NM_000169.3 (MANE Select); the canonical splice donor site of the intron after coding-DNA position 999, G replaced by A.
Molecular consequence: splice donor variant. On other transcripts: missense variant (1), intron variant (2).
Genome position (GRCh38, 1-based): chrX:101,398,369, C>T on the plus strand (G>A on the coding strand, the complement: GLA is on the minus strand). VCF-style: chrX-101398369-C-T. GRCh37 (hg19) VCF-style: chrX-100653357-C-T.
Other names: c.1000G>A, p.Val334Ile (NM_001406748.1); c.300+2912C>T (NM_001199973.2); c.177+6547C>T (NM_001199974.2); c.1122+1G>A (NM_001406747.1); short protein forms V334I.
Identifiers: ClinVar variation 4087227 (VCV004087227.2).
Genomic context (GRCh38, chrX:101,398,369, plus strand): 5'-GCCCAAGACAAAGTTGGTATTGGGTATATAAAGCCATCTTAAAATATATACTCTTATTTA[C>T]CTGTCTAAGCTGGTACCCTTGCTTGCCCAAGGGGTCCTGATTGATGGCAATTACGTCCTT-3'